The following is an entry in ClinVar:

ClinVar aggregate classification (germline): Likely benign (0 of 4 stars; one submission).

Conditions:
KIDINS220-related disorder. Also called: KIDINS220-related condition.

Allele frequency attached by ClinVar (database versions not stated): ExAC 0.00002; gnomAD 0.00003; TOPMed 0.00006.
gnomAD v4.1: 15 of 1,612,322 alleles (0.00093%); highest among the groups gnomAD compares: Admixed American, 0.012%; no homozygotes.

Submission:

PreventionGenetics, part of Exact Sciences
Classification: Likely benign for KIDINS220-related condition. Last evaluated: 2021-10-24. Review status: no assertion criteria provided. Collection method: clinical testing. Allele origin: germline.
Comment: This variant is classified as likely benign based on ACMG/AMP sequence variant interpretation guidelines (Richards et al. 2015 PMID: 25741868, with internal and published modifications).

NM_020738.4(KIDINS220):c.3012-6091G>T

Gene: KIDINS220 (kinase D interacting substrate 220; minus strand). Cytogenetic location: 2p25.1.
Variant type: single nucleotide variant.
Coding change: c.3012-6091G>T on transcript NM_020738.4 (MANE Select); 6091 bases into the intron before coding-DNA position 3012, G replaced by T.
Molecular consequence: intron variant. On other transcripts: missense variant (1).
Genome position (GRCh38, 1-based): chr2:8,757,735, C>A on the plus strand (G>T on the coding strand, the complement: KIDINS220 is on the minus strand). VCF-style: chr2-8757735-C-A. GRCh37 (hg19) VCF-style: chr2-8897865-C-A.
Other names: c.3067G>T, p.Val1023Leu (NM_001348745.2); c.3012-6091G>T (NM_001348741.2, NM_001348738.2, NM_001348742.2 and 3 more transcripts); c.3015-6091G>T (NM_001348739.2, NM_001348740.2, NM_001348734.2 and 2 more transcripts); c.2886-6091G>T (NM_001348736.2); short protein forms V1023L.
Identifiers: ClinVar variation 3034855 (VCV003034855.2), dbSNP rs760284902, ClinGen allele CA1519811.